The following is an entry in ClinVar:

ClinVar aggregate classification (germline): Uncertain significance (1 of 4 stars; one submission).

Submission:

Labcorp Genetics (formerly Invitae), Labcorp
Classification: Uncertain significance. Last evaluated: 2023-04-30. Review status: criteria provided, single submitter. Criteria: Invitae Variant Classification Sherloc (09022015). Collection method: clinical testing. Allele origin: germline.
Comment: In summary, the available evidence is currently insufficient to determine the role of this variant in disease. Therefore, it has been classified as a Variant of Uncertain Significance. Advanced modeling of protein sequence and biophysical properties (such as structural, functional, and spatial information, amino acid conservation, physicochemical variation, residue mobility, and thermodynamic stability) performed at Invitae indicates that this missense variant is not expected to disrupt SRCAP protein function. This variant has not been reported in the literature in individuals affected with SRCAP-related conditions. This variant is not present in population databases (gnomAD no frequency). This sequence change replaces leucine, which is neutral and non-polar, with valine, which is neutral and non-polar, at codon 763 of the SRCAP protein (p.Leu763Val).

NM_006662.3(SRCAP):c.2287C>G (p.Leu763Val)

Gene: SRCAP (Snf2 related CREBBP activator protein; plus strand). Cytogenetic location: 16p11.2.
Variant type: single nucleotide variant.
Coding change: c.2287C>G on transcript NM_006662.3 (MANE Select); coding-DNA position 2287, C replaced by G.
Protein change: p.Leu763Val; replaces leucine 763 with valine.
Molecular consequence: missense variant.
Genome position (GRCh38, 1-based): chr16:30,713,364, C>G. VCF-style: chr16-30713364-C-G. GRCh37 (hg19) VCF-style: chr16-30724685-C-G.
Other names: short protein forms L763V.
Identifiers: ClinVar variation 2860859 (VCV002860859.3), dbSNP rs2506635795, ClinGen allele CA395608984.
Genomic context (GRCh38, chr16:30,713,364, plus strand): 5'-CTCATTCTGGATGAGGCGCAGAACATCAAGAACTTCAAGTCACAGCGCTGGCAGTCACTC[C>G]TCAACTTCAACAGGTGGAGATGGAGATGGGGATTCATGGGAGGGTTGACTTGGCTAGAAG-3'
Protein context (NP_006653.2, residues 753-773): NFKSQRWQSL[Leu763Val]NFNSQRRLLL